The following is an entry in ClinVar:

ClinVar aggregate classification (germline): Uncertain significance (1 of 4 stars; one submission).

Submission:

GeneDx
Classification: Uncertain significance. Last evaluated: 2026-03-14. Review status: criteria provided, single submitter. Criteria: GeneDx Variant Classification Process June 2021. Collection method: clinical testing. Allele origin: germline.
Comment: Not observed at significant frequency in large population cohorts (gnomAD); In silico analysis suggests that this missense variant does not alter protein structure/function; Has not been previously published as pathogenic or benign to our knowledge; In silico analysis is inconclusive as to whether the variant alters gene splicing. In the absence of RNA/functional studies, the actual effect of this sequence change is unknown.

NM_194277.3(FRMD7):c.207T>A (p.Asn69Lys)

Gene: FRMD7 (FERM domain containing 7; minus strand). Cytogenetic location: Xq26.2.
Variant type: single nucleotide variant.
Coding change: c.207T>A on transcript NM_194277.3 (MANE Select); coding-DNA position 207, T replaced by A.
Protein change: p.Asn69Lys; replaces asparagine 69 with lysine.
Molecular consequence: missense variant. On other transcripts: intron variant (1).
Genome position (GRCh38, 1-based): chrX:132,097,343, A>T on the plus strand (T>A on the coding strand, the complement: FRMD7 is on the minus strand). VCF-style: chrX-132097343-A-T. GRCh37 (hg19) VCF-style: chrX-131231371-A-T.
Other names: c.206-44T>A (NM_001306193.2); short protein forms N69K.
Identifiers: ClinVar variation 4891422 (VCV004891422.1).